The following is an entry in ClinVar:

NM_000334.4(SCN4A):c.5367G>A (p.Ser1789=)

Genes: GH-LCR (growth hormone locus control region; plus strand), SCN4A (sodium voltage-gated channel alpha subunit 4; minus strand). Cytogenetic location: 17q23.3.
Variant type: single nucleotide variant.
Coding change: c.5367G>A on transcript NM_000334.4 (MANE Select); coding-DNA position 5367, G replaced by A.
Protein change: p.Ser1789=; no amino-acid change (serine 1789 retained).
Molecular consequence: synonymous variant.
Genome position (GRCh38, 1-based): chr17:63,940,915, C>T on the plus strand (G>A on the coding strand, the complement: SCN4A is on the minus strand). VCF-style: chr17-63940915-C-T. GRCh37 (hg19) VCF-style: chr17-62018275-C-T.
Identifiers: ClinVar variation 283139 (VCV000283139.58), dbSNP rs189230866, ClinGen allele CA8708771.

ClinVar aggregate classification (germline): Conflicting classifications of pathogenicity. Review status: criteria provided, conflicting classifications (1 of 4 stars). 6 submissions from 6 submitters: Uncertain significance (1); Benign (1); Likely benign (4). Last evaluated 2026-01-19.

Conditions:
SCN4A-related disorder. Also called: SCN4A-related disorders.
Hyperkalemic periodic paralysis. Also called: Familial hyperkalemic periodic paralysis; Gamstorp disease. Identifiers: Orphanet 682, MedGen C0238357, MONDO:0008224, OMIM 170500, HP:0007215.

Allele frequency attached by ClinVar (database versions not stated): ExAC 0.00002; gnomAD exomes 0.00003 and 0.00004; gnomAD 0.00004 and 0.00006; TOPMed 0.00011; 1000 Genomes Project 30x 0.00016; 1000 Genomes Project 0.00020.

Submissions (6):

Labcorp Genetics (formerly Invitae), Labcorp
Classification: Likely benign for Hyperkalemic periodic paralysis. Last evaluated: 2026-01-19. Review status: criteria provided, single submitter. Criteria: Invitae Variant Classification Sherloc (09022015). Collection method: clinical testing. Allele origin: germline.

PreventionGenetics, part of Exact Sciences
Classification: Likely benign for SCN4A-related condition. Last evaluated: 2024-12-04. Review status: criteria provided, single submitter. Criteria: ACMG Guidelines, 2015. Collection method: clinical testing. Allele origin: germline.
Comment: This variant is classified as likely benign based on ACMG/AMP sequence variant interpretation guidelines (Richards et al. 2015 PMID: 25741868, with internal and published modifications).

Blueprint Genetics
Classification: Likely benign. Last evaluated: 2024-08-06. Review status: criteria provided, single submitter. Criteria: ACMG Guidelines, 2015. Collection method: clinical testing. Allele origin: germline.

CeGaT Center for Human Genetics Tuebingen
Classification: Likely benign. Last evaluated: 2020-03-01. Review status: criteria provided, single submitter. Criteria: CeGaT Center For Human Genetics Tuebingen Variant Classification Criteria Version 2. Collection method: clinical testing. Allele origin: germline. Affected: yes. Observed: 1 variant allele.

Athena Diagnostics
Classification: Benign. Last evaluated: 2018-03-26. Review status: criteria provided, single submitter. Criteria: Athena Diagnostics Criteria. Collection method: clinical testing. Allele origin: germline.

Eurofins Ntd Llc (ga)
Classification: Uncertain significance. Last evaluated: 2015-09-19. Review status: criteria provided, single submitter. Criteria: EGL Classification Definitions 2015. Collection method: clinical testing. Allele origin: germline. Observed: 1 variant allele, 1 heterozygote.